The following is an entry in ClinVar:

NM_001458.5(FLNC):c.7709A>G (p.Asn2570Ser)

Genes: FLNC (filamin C; plus strand), FLNC-AS1 (FLNC antisense RNA 1; minus strand). Cytogenetic location: 7q32.1.
Variant type: single nucleotide variant.
Coding change: c.7709A>G on transcript NM_001458.5 (MANE Select); coding-DNA position 7709, A replaced by G.
Protein change: p.Asn2570Ser; replaces asparagine 2570 with serine.
Molecular consequence: missense variant.
Genome position (GRCh38, 1-based): chr7:128,857,265, A>G. VCF-style: chr7-128857265-A-G. GRCh37 (hg19) VCF-style: chr7-128497319-A-G.
Other names: c.7610A>G, p.Asn2537Ser (NM_001127487.2); short protein forms N2537S, N2570S.
Identifiers: ClinVar variation 1039428 (VCV001039428.12), dbSNP rs1381739439, ClinGen allele CA369219770.

ClinVar aggregate classification (germline): Uncertain significance. Review status: criteria provided, multiple submitters, no conflicts (2 of 4 stars). 3 submissions from 3 submitters: Uncertain significance (3). Last evaluated 2026-01-29.

Conditions:
Myofibrillar myopathy 5. Also called: Filaminopathy (type); FILAMINOPATHY, AUTOSOMAL DOMINANT. Identifiers: Orphanet 171445, MedGen C1836050, MONDO:0012289, OMIM 609524.
Hypertrophic cardiomyopathy 26. Also called: Cardiomyopathy, familial hypertrophic, 26. Identifiers: Orphanet 75249, MedGen C4310749, MONDO:0014883, OMIM 617047.
Distal myopathy with posterior leg and anterior hand involvement. Also called: WILLIAMS DISTAL MYOPATHY. Identifiers: Orphanet 63273, MedGen C3279722, MONDO:0013550, OMIM 614065.
FLNC-related disorder. Also called: FLNC-related disorders; FLNC-related condition.
Cardiovascular phenotype. Identifiers: MedGen CN230736.

Allele frequency attached by ClinVar (database versions not stated): gnomAD exomes 0.00001; TOPMed 0.00002.
gnomAD v4.1: 16 of 1,614,074 alleles (0.00099%); highest among the groups gnomAD compares: East Asian, 0.0022%; no homozygotes.

Submissions (3):

PreventionGenetics, part of Exact Sciences
Classification: Uncertain significance for FLNC-related condition. Last evaluated: 2026-01-29. Review status: criteria provided, single submitter. Criteria: ACMG Guidelines, 2015. Collection method: clinical testing. Allele origin: germline.
Comment: The FLNC c.7709A>G variant is predicted to result in the amino acid substitution p.Asn2570Ser. To our knowledge, this variant has not been reported in the literature. This variant is reported in 0.0056% of alleles in individuals of East Asian descent in gnomAD. At this time, the clinical significance of this variant is uncertain due to the absence of conclusive functional and genetic evidence.

Labcorp Genetics (formerly Invitae), Labcorp
Classification: Uncertain significance for Distal myopathy with posterior leg and anterior hand involvement; Myofibrillar myopathy 5; Hypertrophic cardiomyopathy 26. Last evaluated: 2025-10-21. Review status: criteria provided, single submitter. Criteria: Invitae Variant Classification Sherloc (09022015). Collection method: clinical testing. Allele origin: germline.
Comment: This sequence change replaces asparagine, which is neutral and polar, with serine, which is neutral and polar, at codon 2570 of the FLNC protein (p.Asn2570Ser). This variant is present in population databases (no rsID available, gnomAD 0.003%). This variant has not been reported in the literature in individuals affected with FLNC-related conditions. ClinVar contains an entry for this variant (Variation ID: 1039428). Invitae Evidence Modeling of protein sequence and biophysical properties (such as structural, functional, and spatial information, amino acid conservation, physicochemical variation, residue mobility, and thermodynamic stability) indicates that this missense variant is not expected to disrupt FLNC protein function with a negative predictive value of 95%. In summary, the available evidence is currently insufficient to determine the role of this variant in disease. Therefore, it has been classified as a Variant of Uncertain Significance.

Ambry Genetics
Classification: Uncertain significance for Cardiovascular phenotype. Last evaluated: 2021-04-20. Review status: criteria provided, single submitter. Criteria: Ambry Variant Classification Scheme 2023. Collection method: clinical testing. Allele origin: germline.
Comment: The p.N2570S variant (also known as c.7709A>G), located in coding exon 46 of the FLNC gene, results from an A to G substitution at nucleotide position 7709. The asparagine at codon 2570 is replaced by serine, an amino acid with highly similar properties. This amino acid position is not well conserved in available vertebrate species, and serine is the reference amino acid in other vertebrate species. In addition, this alteration is predicted to be tolerated by in silico analysis. Since supporting evidence is limited at this time, the clinical significance of this alteration remains unclear.